The following is an entry in ClinVar:

NM_016111.4(TELO2):c.2000A>G (p.Glu667Gly)

Gene: TELO2 (telomere maintenance 2; plus strand). Cytogenetic location: 16p13.3.
Variant type: single nucleotide variant.
Coding change: c.2000A>G on transcript NM_016111.4 (MANE Select); coding-DNA position 2000, A replaced by G.
Protein change: p.Glu667Gly; replaces glutamic acid 667 with glycine.
Molecular consequence: missense variant.
Genome position (GRCh38, 1-based): chr16:1,505,567, A>G. VCF-style: chr16-1505567-A-G. GRCh37 (hg19) VCF-style: chr16-1555568-A-G.
Other names: c.2000A>G, p.Glu667Gly (NM_001351846.2); short protein forms E667G.
Identifiers: ClinVar variation 3253470 (VCV003253470.1), dbSNP rs1305696835.

ClinVar aggregate classification (germline): Uncertain significance (1 of 4 stars; one submission).

Allele frequency attached by ClinVar (database versions not stated): gnomAD exomes below 0.00001.
gnomAD v4.1: 2 of 1,608,022 alleles (0.00012%); highest among the groups gnomAD compares: African/African-American, 0.0013%; no homozygotes.

Submission:

GeneDx
Classification: Uncertain significance. Last evaluated: 2023-06-03. Review status: criteria provided, single submitter. Criteria: GeneDx Variant Classification Process June 2021. Collection method: clinical testing. Allele origin: germline. Affected: yes.
Comment: Not observed at significant frequency in large population cohorts (gnomAD); In silico analysis supports that this missense variant has a deleterious effect on protein structure/function; Has not been previously published as pathogenic or benign to our knowledge